The following is an entry in ClinVar:

ClinVar aggregate classification (germline): Uncertain significance (1 of 4 stars; one submission).

Conditions:
Inborn genetic diseases. Identifiers: MedGen C0950123, MeSH D030342.

Submission:

Ambry Genetics
Classification: Uncertain significance for Inborn genetic diseases. Last evaluated: 2026-03-01. Review status: criteria provided, single submitter. Criteria: Ambry Variant Classification Scheme 2023. Collection method: clinical testing. Allele origin: germline.
Comment: The p.L206V variant (also known as c.616T>G), located in coding exon 6 of the BUB1B gene, results from a T to G substitution at nucleotide position 616. The leucine at codon 206 is replaced by valine, an amino acid with highly similar properties. This amino acid position is conserved. In addition, this alteration is predicted to be tolerated by in silico analysis. Based on the available evidence, the clinical significance of this variant remains unclear.

NM_001211.6(BUB1B):c.616T>G (p.Leu206Val)

Gene: BUB1B (BUB1 mitotic checkpoint serine/threonine kinase B; plus strand). Cytogenetic location: 15q15.1.
Variant type: single nucleotide variant.
Coding change: c.616T>G on transcript NM_001211.6 (MANE Select); coding-DNA position 616, T replaced by G.
Protein change: p.Leu206Val; replaces leucine 206 with valine.
Molecular consequence: missense variant.
Genome position (GRCh38, 1-based): chr15:40,183,748, T>G. VCF-style: chr15-40183748-T-G. GRCh37 (hg19) VCF-style: chr15-40475949-T-G.
Other names: short protein forms L206V.
Identifiers: ClinVar variation 4826653 (VCV004826653.1).